The following is an entry in ClinVar:

NM_001963.6(EGF):c.1865G>A (p.Arg622Gln)

Gene: EGF (epidermal growth factor; plus strand). Cytogenetic location: 4q25.
Variant type: single nucleotide variant.
Coding change: c.1865G>A on transcript NM_001963.6 (MANE Select); coding-DNA position 1865, G replaced by A.
Protein change: p.Arg622Gln; replaces arginine 622 with glutamine.
Molecular consequence: missense variant.
Genome position (GRCh38, 1-based): chr4:109,976,047, G>A. VCF-style: chr4-109976047-G-A. GRCh37 (hg19) VCF-style: chr4-110897203-G-A.
Other names: c.1865G>A, p.Arg622Gln (NM_001178130.3); c.1739G>A, p.Arg580Gln (NM_001178131.3, NM_001357021.2); short protein forms R622Q, R580Q.
Identifiers: ClinVar variation 4696932 (VCV004696932.1).

ClinVar aggregate classification (germline): Uncertain significance (1 of 4 stars; one submission).

gnomAD v4.1: 7 of 1,613,792 alleles (0.00043%); highest among the groups gnomAD compares: Admixed American, 0.0083%; no homozygotes.

Submission:

Labcorp Genetics (formerly Invitae), Labcorp
Classification: Uncertain significance. Last evaluated: 2025-11-16. Review status: criteria provided, single submitter. Criteria: Invitae Variant Classification Sherloc (09022015). Collection method: clinical testing. Allele origin: germline.
Comment: This sequence change replaces arginine, which is basic and polar, with glutamine, which is neutral and polar, at codon 622 of the EGF protein (p.Arg622Gln). This variant is present in population databases (no rsID available, gnomAD 0.01%). This variant has not been reported in the literature in individuals affected with EGF-related conditions. An algorithm developed to predict the effect of missense changes on protein structure and function (PolyPhen-2) suggests that this variant is likely to be disruptive. In summary, the available evidence is currently insufficient to determine the role of this variant in disease. Therefore, it has been classified as a Variant of Uncertain Significance.